The following is an entry in ClinVar:

ClinVar aggregate classification (germline): Uncertain significance (1 of 4 stars; one submission).

Conditions:
Hereditary cancer-predisposing syndrome. Also called: Neoplastic Syndromes, Hereditary; Tumor predisposition; Hereditary Cancer Syndrome; Hereditary neoplastic syndrome. Identifiers: Orphanet 140162, MedGen C0027672, MeSH D009386, MONDO:0015356.

Submission:

Ambry Genetics
Classification: Uncertain significance for Hereditary cancer-predisposing syndrome. Last evaluated: 2025-10-16. Review status: criteria provided, single submitter. Criteria: Ambry Variant Classification Scheme 2023. Collection method: clinical testing. Allele origin: germline.
Comment: The p.L32P variant (also known as c.95T>C), located in coding exon 1 of the CDKN1B gene, results from a T to C substitution at nucleotide position 95. The leucine at codon 32 is replaced by proline, an amino acid with similar properties. This amino acid position is conserved. In addition, this alteration is predicted to be deleterious by in silico analysis. Based on the available evidence, the clinical significance of this variant remains unclear.

NM_004064.5(CDKN1B):c.95T>C (p.Leu32Pro)

Gene: CDKN1B (cyclin dependent kinase inhibitor 1B; plus strand). Cytogenetic location: 12p13.1.
Variant type: single nucleotide variant.
Coding change: c.95T>C on transcript NM_004064.5 (MANE Select); coding-DNA position 95, T replaced by C.
Protein change: p.Leu32Pro; replaces leucine 32 with proline.
Molecular consequence: missense variant.
Genome position (GRCh38, 1-based): chr12:12,717,934, T>C. VCF-style: chr12-12717934-T-C. GRCh37 (hg19) VCF-style: chr12-12870868-T-C.
Other names: short protein forms L32P.
Identifiers: ClinVar variation 4633454 (VCV004633454.1).
Genomic context (GRCh38, chr12:12,717,934, plus strand): 5'-GCCTGGAGCGGATGGACGCCAGGCAGGCGGAGCACCCCAAGCCCTCGGCCTGCAGGAACC[T>C]CTTCGGCCCGGTGGACCACGAAGAGTTAACCCGGGACTTGGAGAAGCACTGCAGAGACAT-3'
Protein context (NP_004055.1, residues 22-42): EHPKPSACRN[Leu32Pro]FGPVDHEELT